The following is an entry in ClinVar:

ClinVar aggregate classification (germline): Benign (1 of 4 stars; one submission).

Conditions:
Atypical hemolytic-uremic syndrome with thrombomodulin anomaly. Also called: HEMOLYTIC UREMIC SYNDROME, ATYPICAL, SUSCEPTIBILITY TO, 6; AHUS, SUSCEPTIBILITY TO, 6. Identifiers: MedGen C2752036, MONDO:0013044, OMIM 612926. Disease mechanism: gain of function.

Allele frequency attached by ClinVar (database versions not stated): TOPMed 0.00003; 1000 Genomes Project 30x 0.00109; 1000 Genomes Project 0.00120; gnomAD 0.00006.

Submission:

Illumina Laboratory Services, Illumina
Classification: Benign for Atypical hemolytic-uremic syndrome with thrombomodulin anomaly. Last evaluated: 2018-01-13. Review status: criteria provided, single submitter. Criteria: ICSL Variant Classification Criteria 13 December 2019. Collection method: clinical testing. Allele origin: germline.
Comment: This variant was observed in the ICSL laboratory as part of a predisposition screen in an ostensibly healthy population. It had not been previously curated by ICSL or reported in the Human Gene Mutation Database (HGMD: prior to June 1st, 2018), and was therefore a candidate for classification through an automated scoring system. Utilizing variant allele frequency, disease prevalence and penetrance estimates, and inheritance mode, an automated score was calculated to assess if this variant is too frequent to cause the disease. Based on the score and internal cut-off values, a variant classified as benign is not then subjected to further curation. The score for this variant resulted in a classification of benign for this disease.

NM_000361.3(THBD):c.*2129C>A

Gene: THBD (thrombomodulin; minus strand). Cytogenetic location: 20p11.21.
Variant type: single nucleotide variant.
Coding change: c.*2129C>A on transcript NM_000361.3 (MANE Select); 2129 bases downstream of the stop codon, C replaced by A.
Molecular consequence: 3 prime UTR variant.
Genome position (GRCh38, 1-based): chr20:23,045,648, G>T on the plus strand (C>A on the coding strand, the complement: THBD is on the minus strand). VCF-style: chr20-23045648-G-T. GRCh37 (hg19) VCF-style: chr20-23026285-G-T.
Identifiers: ClinVar variation 337850 (VCV000337850.5), dbSNP rs372816835, ClinGen allele CA10652985.
Genomic context (GRCh38, chr20:23,045,648, plus strand): 5'-ATCTCGCAGAGGAGATAATGCCAAACCATACACCGGACACACAGCTGGGATTCGCCAGAT[G>T]CCCCAGGAAGGGTTTATTTAATTCATTCCAACAAATGATCCTATAATGCATTTATGCATT-3'